The following is an entry in ClinVar:

ClinVar aggregate classification (germline): Uncertain significance. Review status: criteria provided, multiple submitters, no conflicts (2 of 4 stars). 2 submissions from 2 submitters: Uncertain significance (2). Last evaluated 2021-02-25.

Conditions:
Short-rib thoracic dysplasia 13 with or without polydactyly (SRTD13). Identifiers: Orphanet 474, MedGen C4225378, MONDO:0014577, OMIM 616300.

Allele frequency attached by ClinVar (database versions not stated): TOPMed 0.00001; ExAC 0.00002; gnomAD exomes 0.00003.
gnomAD v4.1: 14 of 1,613,630 alleles (0.00087%); highest among the groups gnomAD compares: Admixed American, 0.0083%; no homozygotes.

Submissions (2):

Labcorp Genetics (formerly Invitae), Labcorp
Classification: Uncertain significance for Short-rib thoracic dysplasia 13 with or without polydactyly. Last evaluated: 2021-02-25. Review status: criteria provided, single submitter. Criteria: Invitae Variant Classification Sherloc (09022015). Collection method: clinical testing. Allele origin: germline.
Comment: This sequence change replaces glutamic acid with lysine at codon 896 of the CEP120 protein (p.Glu896Lys). The glutamic acid residue is moderately conserved and there is a small physicochemical difference between glutamic acid and lysine. This variant is present in population databases (rs780184609, ExAC 0.01%). This variant has not been reported in the literature in individuals with CEP120-related conditions. Algorithms developed to predict the effect of missense changes on protein structure and function are either unavailable or do not agree on the potential impact of this missense change (SIFT: "Deleterious"; PolyPhen-2: "Possibly Damaging"; Align-GVGD: "Class C0"). In summary, the available evidence is currently insufficient to determine the role of this variant in disease. Therefore, it has been classified as a Variant of Uncertain Significance.

GeneDx
Classification: Uncertain significance. Last evaluated: 2019-06-17. Review status: criteria provided, single submitter. Criteria: GeneDx Variant Classification Process June 2021. Collection method: clinical testing. Allele origin: germline. Affected: yes.
Comment: In silico analysis, which includes protein predictors and evolutionary conservation, supports that this variant does not alter protein structure/function; Has not been previously published as pathogenic or benign to our knowledge

NM_001375405.1(CEP120):c.2686G>A (p.Glu896Lys)

Gene: CEP120 (centrosomal protein 120; minus strand). Cytogenetic location: 5q23.2.
Variant type: single nucleotide variant.
Coding change: c.2686G>A on transcript NM_001375405.1 (MANE Select); coding-DNA position 2686, G replaced by A.
Protein change: p.Glu896Lys; replaces glutamic acid 896 with lysine.
Molecular consequence: missense variant. On other transcripts: non-coding transcript variant (1).
Genome position (GRCh38, 1-based): chr5:123,349,984, C>T on the plus strand (G>A on the coding strand, the complement: CEP120 is on the minus strand). VCF-style: chr5-123349984-C-T. GRCh37 (hg19) VCF-style: chr5-122685678-C-T.
Other names: c.2608G>A, p.Glu870Lys (NM_001166226.2); c.2551G>A, p.Glu851Lys (NM_001375406.1); c.2686G>A, p.Glu896Lys (NM_001375407.1, NM_153223.4); c.2113G>A, p.Glu705Lys (NM_001375408.1, NM_001375409.1); short protein forms E705K, E851K, E870K, E896K.
Identifiers: ClinVar variation 1306234 (VCV001306234.8), dbSNP rs780184609, ClinGen allele CA3386557.